The following is an entry in ClinVar:

NM_001972.4(ELANE):c.412C>G (p.Leu138Val)

Gene: ELANE (elastase, neutrophil expressed; plus strand). Cytogenetic location: 19p13.3.
Variant type: single nucleotide variant.
Coding change: c.412C>G on transcript NM_001972.4 (MANE Select); coding-DNA position 412, C replaced by G.
Protein change: p.Leu138Val; replaces leucine 138 with valine.
Molecular consequence: missense variant.
Genome position (GRCh38, 1-based): chr19:855,609, C>G. VCF-style: chr19-855609-C-G. GRCh37 (hg19) VCF-style: chr19-855609-C-G.
Other names: short protein forms L138V.
Identifiers: ClinVar variation 4248072 (VCV004248072.1).

ClinVar aggregate classification (germline): Uncertain significance (1 of 4 stars; one submission).

Conditions:
Inborn genetic diseases. Identifiers: MedGen C0950123, MeSH D030342.

Submission:

Ambry Genetics
Classification: Uncertain significance for Inborn genetic diseases. Last evaluated: 2025-07-31. Review status: criteria provided, single submitter. Criteria: Ambry Variant Classification Scheme 2023. Collection method: clinical testing. Allele origin: germline.
Comment: The p.L138V variant (also known as c.412C>G), located in coding exon 4 of the ELANE gene, results from a C to G substitution at nucleotide position 412. The leucine at codon 138 is replaced by valine, an amino acid with highly similar properties. This amino acid position is conserved. In addition, this alteration is predicted to be deleterious by in silico analysis. Based on the available evidence, the clinical significance of this variant remains unclear.